The following is an entry in ClinVar:

NM_006361.6(HOXB13):c.349G>A (p.Gly117Arg)

Gene: HOXB13 (homeobox B13; minus strand). Cytogenetic location: 17q21.32.
Variant type: single nucleotide variant.
Coding change: c.349G>A on transcript NM_006361.6 (MANE Select); coding-DNA position 349, G replaced by A.
Protein change: p.Gly117Arg; replaces glycine 117 with arginine.
Molecular consequence: missense variant.
Genome position (GRCh38, 1-based): chr17:48,728,245, C>T on the plus strand (G>A on the coding strand, the complement: HOXB13 is on the minus strand). VCF-style: chr17-48728245-C-T. GRCh37 (hg19) VCF-style: chr17-46805607-C-T.
Other names: c.349G>A (NM_006361.5); short protein forms G117R.
Identifiers: ClinVar variation 1038478 (VCV001038478.8), dbSNP rs533641489, ClinGen allele CA8634002.
Genomic context (GRCh38, chr17:48,728,245, plus strand): 5'-AGGTTCCCGGATATCCCGGATAGAAGGCAAACTCAGTGGGGCGGCTGGGGTACTCTTCCC[C>T]GGCCGTGGGAGTCTCCGCGGGGTACGCGGCCAGGGTGGCTGCCTGGGCACAGGGTTTCAG-3'
Protein context (NP_006352.2, residues 107-127): AAYPAETPTA[Gly117Arg]EEYPSRPTEF

ClinVar aggregate classification (germline): Uncertain significance. Review status: criteria provided, multiple submitters, no conflicts (2 of 4 stars). 2 submissions from 2 submitters: Uncertain significance (2). Last evaluated 2025-08-29.

Conditions:
Hereditary cancer-predisposing syndrome. Also called: Neoplastic Syndromes, Hereditary; Hereditary Cancer Syndrome; Tumor predisposition; Hereditary neoplastic syndrome. Identifiers: Orphanet 140162, MedGen C0027672, MeSH D009386, MONDO:0015356.

Allele frequency attached by ClinVar (database versions not stated): gnomAD exomes below 0.00001; gnomAD 0.00001; ExAC 0.00002; 1000 Genomes Project 30x 0.00016; 1000 Genomes Project 0.00020.
gnomAD v4.1: 3 of 1,614,176 alleles (0.00019%); highest among the groups gnomAD compares: Admixed American, 0.0017%; no homozygotes.

Submissions (2):

Labcorp Genetics (formerly Invitae), Labcorp
Classification: Uncertain significance. Last evaluated: 2025-08-29. Review status: criteria provided, single submitter. Criteria: Invitae Variant Classification Sherloc (09022015). Collection method: clinical testing. Allele origin: germline.
Comment: This sequence change replaces glycine, which is neutral and non-polar, with arginine, which is basic and polar, at codon 117 of the HOXB13 protein (p.Gly117Arg). This variant is present in population databases (rs533641489, gnomAD 0.003%). This variant has not been reported in the literature in individuals affected with HOXB13-related conditions. ClinVar contains an entry for this variant (Variation ID: 1038478). Invitae Evidence Modeling of protein sequence and biophysical properties (such as structural, functional, and spatial information, amino acid conservation, physicochemical variation, residue mobility, and thermodynamic stability) indicates that this missense variant is not expected to disrupt HOXB13 protein function with a negative predictive value of 80%. In summary, the available evidence is currently insufficient to determine the role of this variant in disease. Therefore, it has been classified as a Variant of Uncertain Significance.

Ambry Genetics
Classification: Uncertain significance for Hereditary cancer-predisposing syndrome. Last evaluated: 2025-04-14. Review status: criteria provided, single submitter. Criteria: Ambry Variant Classification Scheme 2023. Collection method: clinical testing. Allele origin: germline.
Comment: The p.G117R variant (also known as c.349G>A), located in coding exon 1 of the HOXB13 gene, results from a G to A substitution at nucleotide position 349. The glycine at codon 117 is replaced by arginine, an amino acid with dissimilar properties. This amino acid position is not well conserved in available vertebrate species. In addition, this alteration is predicted to be tolerated by in silico analysis. Based on the available evidence, the clinical significance of this variant remains unclear.